The following is an entry in ClinVar:

NM_020987.5(ANK3):c.9631G>A (p.Glu3211Lys)

Gene: ANK3 (ankyrin 3; minus strand). Cytogenetic location: 10q21.2.
Variant type: single nucleotide variant.
Coding change: c.9631G>A on transcript NM_020987.5 (MANE Select); coding-DNA position 9631, G replaced by A.
Protein change: p.Glu3211Lys; replaces glutamic acid 3211 with lysine.
Molecular consequence: missense variant. On other transcripts: intron variant (4).
Genome position (GRCh38, 1-based): chr10:60,071,250, C>T on the plus strand (G>A on the coding strand, the complement: ANK3 is on the minus strand). VCF-style: chr10-60071250-C-T. GRCh37 (hg19) VCF-style: chr10-61831008-C-T.
Other names: c.4388-3241G>A (NM_001204403.2); c.4409-3241G>A (NM_001204404.2); c.4406-3241G>A (NM_001320874.2); c.1808-3241G>A (NM_001149.4); short protein forms E3211K.
Identifiers: ClinVar variation 4743825 (VCV004743825.1).
Genomic context (GRCh38, chr10:60,071,250, plus strand): 5'-CACGCTCAACTGCTGTTTCCTCCACTGTAGTCTGCTTAAGGGAGGTTGACTTGGCCTGTT[C>T]CTCCTCCTCTGACTCCTCAGAAACCTCGGGAATTGGGCTGGGTTTGCCTGGTATATAAGC-3'
Protein context (NP_066267.2, residues 3201-3221): PEVSEESEEE[Glu3211Lys]QAKSTSLKQT

ClinVar aggregate classification (germline): Uncertain significance (1 of 4 stars; one submission).

gnomAD v4.1: 3 of 1,614,116 alleles (0.00019%); highest among the groups gnomAD compares: Admixed American, 0.005%; no homozygotes.

Submission:

Labcorp Genetics (formerly Invitae), Labcorp
Classification: Uncertain significance. Last evaluated: 2025-04-17. Review status: criteria provided, single submitter. Criteria: Invitae Variant Classification Sherloc (09022015). Collection method: clinical testing. Allele origin: germline.
Comment: This sequence change replaces glutamic acid, which is acidic and polar, with lysine, which is basic and polar, at codon 3211 of the ANK3 protein (p.Glu3211Lys). This variant is not present in population databases (gnomAD no frequency). This variant has not been reported in the literature in individuals affected with ANK3-related conditions. Invitae Evidence Modeling of protein sequence and biophysical properties (such as structural, functional, and spatial information, amino acid conservation, physicochemical variation, residue mobility, and thermodynamic stability) indicates that this missense variant is not expected to disrupt ANK3 protein function with a negative predictive value of 80%. In summary, the available evidence is currently insufficient to determine the role of this variant in disease. Therefore, it has been classified as a Variant of Uncertain Significance.